The following is an entry in ClinVar:

NM_000391.4(TPP1):c.917A>T (p.Gln306Leu)

Gene: TPP1 (tripeptidyl peptidase 1; minus strand). Cytogenetic location: 11p15.4.
Variant type: single nucleotide variant.
Coding change: c.917A>T on transcript NM_000391.4 (MANE Select); coding-DNA position 917, A replaced by T.
Protein change: p.Gln306Leu; replaces glutamine 306 with leucine.
Molecular consequence: missense variant.
Genome position (GRCh38, 1-based): chr11:6,616,473, T>A on the plus strand (A>T on the coding strand, the complement: TPP1 is on the minus strand). VCF-style: chr11-6616473-T-A. GRCh37 (hg19) VCF-style: chr11-6637704-T-A.
Other names: short protein forms Q306L.
Identifiers: ClinVar variation 1062372 (VCV001062372.6), dbSNP rs201192562, ClinGen allele CA5858805.

ClinVar aggregate classification (germline): Uncertain significance (1 of 4 stars; one submission).

Allele frequency attached by ClinVar (database versions not stated): gnomAD exomes below 0.00001 and 0.00001; TOPMed below 0.00001; ExAC 0.00001; gnomAD 0.00001; 1000 Genomes Project 0.00020; 1000 Genomes Project 30x 0.00031.
gnomAD v4.1: 3 of 1,609,914 alleles (0.00019%); highest among the groups gnomAD compares: Admixed American, 0.005%; no homozygotes.

Submission:

Labcorp Genetics (formerly Invitae), Labcorp
Classification: Uncertain significance. Last evaluated: 2021-09-01. Review status: criteria provided, single submitter. Criteria: Invitae Variant Classification Sherloc (09022015). Collection method: clinical testing. Allele origin: germline.
Comment: This sequence change replaces glutamine with leucine at codon 306 of the TPP1 protein (p.Gln306Leu). The glutamine residue is highly conserved and there is a moderate physicochemical difference between glutamine and leucine. This variant is present in population databases (rs201192562, ExAC 0.009%). This variant has not been reported in the literature in individuals affected with TPP1-related conditions. Algorithms developed to predict the effect of missense changes on protein structure and function are either unavailable or do not agree on the potential impact of this missense change (SIFT: "Tolerated"; PolyPhen-2: "Possibly Damaging"; Align-GVGD: "Class C0"). In summary, the available evidence is currently insufficient to determine the role of this variant in disease. Therefore, it has been classified as a Variant of Uncertain Significance.